The following is an entry in ClinVar:

NM_001164508.2(NEB):c.9590C>T (p.Ala3197Val)

Gene: NEB (nebulin; minus strand). Cytogenetic location: 2q23.3.
Variant type: single nucleotide variant.
Coding change: c.9590C>T on transcript NM_001164508.2 (MANE Select); coding-DNA position 9590, C replaced by T.
Protein change: p.Ala3197Val; replaces alanine 3197 with valine.
Molecular consequence: missense variant.
Genome position (GRCh38, 1-based): chr2:151,631,171, G>A on the plus strand (C>T on the coding strand, the complement: NEB is on the minus strand). VCF-style: chr2-151631171-G-A. GRCh37 (hg19) VCF-style: chr2-152487685-G-A.
Other names: c.9590C>T, p.Ala3197Val (NM_001164507.2, NM_001271208.2); c.8861C>T, p.Ala2954Val (NM_004543.5); short protein forms A3197V, A2954V.
Identifiers: ClinVar variation 465654 (VCV000465654.1), dbSNP rs778131603, ClinGen allele CA1909271.

ClinVar aggregate classification (germline): Uncertain significance (1 of 4 stars; one submission).

Conditions:
Nemaline myopathy 2 (NEM2). Also called: Nemaline myopathy 2, autosomal recessive. Identifiers: MedGen C1850569, MONDO:0009725, OMIM 256030.

Allele frequency attached by ClinVar (database versions not stated): gnomAD exomes below 0.00001; ExAC 0.00001.
gnomAD v4.1: 3 of 1,613,896 alleles (0.00019%); no homozygotes.

Submission:

Labcorp Genetics (formerly Invitae), Labcorp
Classification: Uncertain significance for Nemaline myopathy 2. Last evaluated: 2017-06-27. Review status: criteria provided, single submitter. Criteria: Invitae Variant Classification Sherloc (09022015). Collection method: clinical testing. Allele origin: germline.
Comment: This sequence change replaces alanine with valine at codon 3197 of the NEB protein (p.Ala3197Val). The alanine residue is weakly conserved and there is a small physicochemical difference between alanine and valine. This variant is present in population databases (rs778131603, ExAC 0.001%). This variant has not been reported in the literature in individuals with an NEB-related disease. Algorithms developed to predict the effect of missense changes on protein structure and function do not agree on the potential impact of this missense change (SIFT: "Deleterious"; PolyPhen-2: "Probably Damaging"; Align-GVGD: "Class C0"). In summary, this variant has uncertain impact on NEB function. The available evidence is currently insufficient to determine its role in disease. Therefore, it has been classified as a Variant of Uncertain Significance.